The following is an entry in ClinVar:

ClinVar aggregate classification (germline): Uncertain significance (1 of 4 stars; one submission).

Conditions:
Inborn genetic diseases. Identifiers: MedGen C0950123, MeSH D030342.

Submission:

Ambry Genetics
Classification: Uncertain significance for Inborn genetic diseases. Last evaluated: 2025-08-12. Review status: criteria provided, single submitter. Criteria: Ambry Variant Classification Scheme 2023. Collection method: clinical testing. Allele origin: germline.
Comment: The p.G67A variant (also known as c.200G>C), located in coding exon 3 of the DDX41 gene, results from a G to C substitution at nucleotide position 200. The glycine at codon 67 is replaced by alanine, an amino acid with similar properties. This amino acid position is conserved. In addition, this alteration is predicted to be tolerated by in silico analysis. Based on the available evidence, the clinical significance of this variant remains unclear.

NM_016222.4(DDX41):c.200G>C (p.Gly67Ala)

Gene: DDX41 (DEAD-box helicase 41; minus strand). Cytogenetic location: 5q35.3.
Variant type: single nucleotide variant.
Coding change: c.200G>C on transcript NM_016222.4 (MANE Select); coding-DNA position 200, G replaced by C.
Protein change: p.Gly67Ala; replaces glycine 67 with alanine.
Molecular consequence: missense variant. On other transcripts: 5 prime UTR variant (2).
Genome position (GRCh38, 1-based): chr5:177,516,386, C>G on the plus strand (G>C on the coding strand, the complement: DDX41 is on the minus strand). VCF-style: chr5-177516386-C-G. GRCh37 (hg19) VCF-style: chr5-176943387-C-G.
Other names: c.-179G>C (NM_001321732.2, NM_001321830.2); short protein forms G67A.
Identifiers: ClinVar variation 4238799 (VCV004238799.1).
Genomic context (GRCh38, chr5:177,516,386, plus strand): 5'-AGGCTGACGTTGGACTGAGGGCCTAGCGGGATGTCGTCCTCATCTCCCCGGGGTTCACTA[C>G]CGCTGTCCTGCTGCTCTTCCTCCGCAGCTCCCTTGCGTCTTCGCTGCAGCAGCTTCTGGA-3'
Protein context (NP_057306.2, residues 57-77): GAAEEEQQDS[Gly67Ala]SEPRGDEDDI